The following is an entry in ClinVar:

NM_001308210.2(TSHZ1):c.127A>G (p.Ser43Gly)

Gene: TSHZ1 (teashirt zinc finger homeobox 1; plus strand). Cytogenetic location: 18q22.3.
Variant type: single nucleotide variant.
Coding change: c.127A>G on transcript NM_001308210.2 (MANE Select); coding-DNA position 127, A replaced by G.
Protein change: p.Ser43Gly; replaces serine 43 with glycine.
Molecular consequence: missense variant. On other transcripts: 5 prime UTR variant (1).
Genome position (GRCh38, 1-based): chr18:75,285,534, A>G. VCF-style: chr18-75285534-A-G. GRCh37 (hg19) VCF-style: chr18-72997489-A-G.
Other names: c.-9A>G (NM_005786.6); c.127A>G (NM_001308210.1); short protein forms S43G.
Identifiers: ClinVar variation 3043118 (VCV003043118.2), dbSNP rs78788703, ClinGen allele CA9001741.
Genomic context (GRCh38, chr18:75,285,534, plus strand): 5'-GCAGCAGAAATAGATGAAGAGCACGTGGAGGATGACGGGCTGTCTTTGGACATTCAGGAA[A>G]GTGAGTACATGTGCAATGAAGAGACGGAGATCAAAGAGGCGCAGAGCTACCAGAACTCCC-3'
Protein context (NP_001295139.1, residues 33-53): DDGLSLDIQE[Ser43Gly]EYMCNEETEI

ClinVar aggregate classification (germline): Benign (0 of 4 stars; one submission).

Conditions:
TSHZ1-related disorder. Also called: TSHZ1-related condition.

Allele frequency attached by ClinVar (database versions not stated): gnomAD exomes 0.00039 and 0.00104; ExAC 0.00126; ESP Exome Variant Server 0.00415; 1000 Genomes Project 0.00439; gnomAD 0.00450 and 0.00471; 1000 Genomes Project 30x 0.00484; TOPMed 0.00512 and 0.00533.
gnomAD v4.1: 1,295 of 1,557,516 alleles (0.083%); highest among the groups gnomAD compares: African/African-American, 1.6%; 14 homozygotes.

Submission:

PreventionGenetics, part of Exact Sciences
Classification: Benign for TSHZ1-related condition. Last evaluated: 2019-07-15. Review status: no assertion criteria provided. Collection method: clinical testing. Allele origin: germline.
Comment: This variant is classified as benign based on ACMG/AMP sequence variant interpretation guidelines (Richards et al. 2015 PMID: 25741868, with internal and published modifications).